The following is an entry in ClinVar:

ClinVar aggregate classification (germline): Uncertain significance (1 of 4 stars; one submission).

Allele frequency attached by ClinVar (database versions not stated): ExAC 0.00001; gnomAD exomes 0.00001.
gnomAD v4.1: 20 of 1,613,720 alleles (0.0012%); highest among the groups gnomAD compares: African/African-American, 0.0067%; no homozygotes.

Submission:

Labcorp Genetics (formerly Invitae), Labcorp
Classification: Uncertain significance. Last evaluated: 2022-05-29. Review status: criteria provided, single submitter. Criteria: Invitae Variant Classification Sherloc (09022015). Collection method: clinical testing. Allele origin: germline.
Comment: In summary, the available evidence is currently insufficient to determine the role of this variant in disease. Therefore, it has been classified as a Variant of Uncertain Significance. Algorithms developed to predict the effect of sequence changes on RNA splicing suggest that this variant may disrupt the consensus splice site. This sequence change replaces glycine, which is neutral and non-polar, with arginine, which is basic and polar, at codon 677 of the MERTK protein (p.Gly677Arg). This variant is present in population databases (rs755689637, gnomAD 0.007%). This variant has not been reported in the literature in individuals affected with MERTK-related conditions. Algorithms developed to predict the effect of missense changes on protein structure and function (SIFT, PolyPhen-2, Align-GVGD) all suggest that this variant is likely to be disruptive.

NM_006343.3(MERTK):c.2029G>A (p.Gly677Arg)

Gene: MERTK (MER proto-oncogene, tyrosine kinase; plus strand). Cytogenetic location: 2q13.
Variant type: single nucleotide variant.
Coding change: c.2029G>A on transcript NM_006343.3 (MANE Select); coding-DNA position 2029, G replaced by A.
Protein change: p.Gly677Arg; replaces glycine 677 with arginine.
Molecular consequence: missense variant.
Genome position (GRCh38, 1-based): chr2:112,010,016, G>A. VCF-style: chr2-112010016-G-A. GRCh37 (hg19) VCF-style: chr2-112767593-G-A.
Other names: short protein forms G677R.
Identifiers: ClinVar variation 2119824 (VCV002119824.4), dbSNP rs755689637, ClinGen allele CA1831644.